The following is an entry in ClinVar:

ClinVar aggregate classification (germline): Conflicting classifications of pathogenicity. Review status: criteria provided, conflicting classifications (1 of 4 stars). 9 submissions from 9 submitters: Uncertain significance (7); Likely benign (2). Last evaluated 2026-05-01.

Conditions:
Inborn genetic diseases. Identifiers: MedGen C0950123, MeSH D030342.
Microcephaly 1, primary, autosomal recessive (MCPH1). Also called: PREMATURE CHROMOSOME CONDENSATION SYNDROME; PCC SYNDROME; PREMATURE CHROMOSOME CONDENSATION WITH MICROCEPHALY AND MENTAL RETARDATION. Identifiers: Orphanet 2512, MedGen C1855081, MONDO:0009617, OMIM 251200.
Short stature. Identifiers: MedGen C0349588, HP:0004322.
Intellectual disability. Also called: Intellectual developmental disorder; Intellectual functioning disability; intellectual disabilities. Identifiers: MedGen C3714756, MeSH D008607, MONDO:0001071, HP:0001249.

Allele frequency attached by ClinVar (database versions not stated): ESP Exome Variant Server 0.00083; gnomAD 0.00083 and 0.00086; TOPMed 0.00094; gnomAD exomes 0.00099; ExAC 0.00108.
gnomAD v4.1: 1,817 of 1,613,522 alleles (0.11%); highest among the groups gnomAD compares: Non-Finnish European, 0.14%; 1 homozygote.

Submissions (9):

CeGaT Center for Human Genetics Tuebingen
Classification: Likely benign. Last evaluated: 2026-05-01. Review status: criteria provided, single submitter. Criteria: CeGaT Center For Human Genetics Tuebingen Variant Classification Criteria Version 2. Collection method: clinical testing. Allele origin: germline. Affected: yes. Observed: 3 variant alleles.
Comment: MCPH1: BS1

Athena Diagnostics
Classification: Uncertain significance. Last evaluated: 2024-12-06. Review status: criteria provided, single submitter. Criteria: Athena Diagnostics Criteria. Collection method: clinical testing. Allele origin: unknown.
Comment: Available data are insufficient to determine the clinical significance of the variant at this time. The frequency of this variant in the general population is higher than would generally be expected for pathogenic variants in this gene. This variant has been identified in at least one individual with clinical features associated with this gene. Polyphen and MutationTaster yielded discordant predictions regarding whether this amino acid change is damaging to the protein.

Labcorp Genetics (formerly Invitae), Labcorp
Classification: Uncertain significance. Last evaluated: 2022-10-05. Review status: criteria provided, single submitter. Criteria: Invitae Variant Classification Sherloc (09022015). Collection method: clinical testing. Allele origin: germline.
Comment: This sequence change replaces proline, which is neutral and non-polar, with leucine, which is neutral and non-polar, at codon 727 of the MCPH1 protein (p.Pro727Leu). This variant is present in population databases (rs199861426, gnomAD 0.2%), and has an allele count higher than expected for a pathogenic variant. This missense change has been observed in individual(s) with primary microcephaly (PMID: 32714618). ClinVar contains an entry for this variant (Variation ID: 194122). Advanced modeling of protein sequence and biophysical properties (such as structural, functional, and spatial information, amino acid conservation, physicochemical variation, residue mobility, and thermodynamic stability) performed at Invitae indicates that this missense variant is expected to disrupt MCPH1 protein function. In summary, the available evidence is currently insufficient to determine the role of this variant in disease. Therefore, it has been classified as a Variant of Uncertain Significance.

Ambry Genetics
Classification: Likely benign for Inborn genetic diseases. Last evaluated: 2022-04-21. Review status: criteria provided, single submitter. Criteria: Ambry Variant Classification Scheme 2023. Collection method: clinical testing. Allele origin: germline.

Fulgent Genetics
Classification: Uncertain significance for Microcephaly 1, primary, autosomal recessive. Last evaluated: 2021-11-16. Review status: criteria provided, single submitter. Criteria: ACMG Guidelines, 2015. Collection method: clinical testing. Allele origin: unknown.

GeneDx
Classification: Uncertain significance. Last evaluated: 2020-07-14. Review status: criteria provided, single submitter. Criteria: GeneDx Variant Classification Process June 2021. Collection method: clinical testing. Allele origin: germline. Affected: yes.
Comment: In silico analysis supports that this missense variant has a deleterious effect on protein structure/function; This variant is associated with the following publications: (PMID: 31101089, 32714618)

Knight Diagnostic Laboratories, Oregon Health and Sciences University
Classification: Uncertain significance for Short stature; Intellectual disability. Last evaluated: 2019-04-19. Review status: criteria provided, single submitter. Criteria: ACMG Guidelines, 2015. Collection method: clinical testing. Allele origin: germline. Observed: 1 variant allele.

Illumina Laboratory Services, Illumina
Classification: Uncertain significance for Microcephaly 1, primary, autosomal recessive. Last evaluated: 2018-01-13. Review status: criteria provided, single submitter. Criteria: ICSL Variant Classification Criteria 13 December 2019. Collection method: clinical testing. Allele origin: germline.

Eurofins Ntd Llc (ga)
Classification: Uncertain significance. Last evaluated: 2017-04-18. Review status: criteria provided, single submitter. Criteria: EGL Classification Definitions 2015. Collection method: clinical testing. Allele origin: germline. Observed: 3 variant alleles, 3 heterozygotes.

Literature cited by the submitters: PubMed 32714618 (cited by 3 submitters).

NM_024596.5(MCPH1):c.2180C>T (p.Pro727Leu)

Genes: ANGPT2 (angiopoietin 2; minus strand), MCPH1 (microcephalin 1; plus strand). Cytogenetic location: 8p23.1.
Variant type: single nucleotide variant.
Coding change: c.2180C>T on transcript NM_024596.5 (MANE Select); coding-DNA position 2180, C replaced by T.
Protein change: p.Pro727Leu; replaces proline 727 with leucine.
Molecular consequence: missense variant. On other transcripts: 3 prime UTR variant (6), intron variant (1).
Genome position (GRCh38, 1-based): chr8:6,499,895, C>T. VCF-style: chr8-6499895-C-T. GRCh37 (hg19) VCF-style: chr8-6357416-C-T.
Other names: c.*3206G>A (NM_001118887.2, NM_001118888.2, NM_001147.3 and 1 more transcripts); c.*3354G>A (NM_001386336.1, NM_001386337.1); c.2180C>T, p.Pro727Leu (NM_001322042.2, NM_001363979.1, NM_001410916.1 and 1 more transcripts); c.1935+44643C>T (NM_001363980.2); short protein forms P727L.
Identifiers: ClinVar variation 194122 (VCV000194122.42), dbSNP rs199861426, ClinGen allele CA239944.